The following is an entry in ClinVar:

NM_015311.3(OBSL1):c.2407+3C>G

Gene: OBSL1 (obscurin like cytoskeletal adaptor 1; minus strand). Cytogenetic location: 2q35.
Variant type: single nucleotide variant.
Coding change: c.2407+3C>G on transcript NM_015311.3 (MANE Select); 3 bases into the intron after coding-DNA position 2407, C replaced by G.
Molecular consequence: intron variant.
Genome position (GRCh38, 1-based): chr2:219,565,239, G>C on the plus strand (C>G on the coding strand, the complement: OBSL1 is on the minus strand). VCF-style: chr2-219565239-G-C. GRCh37 (hg19) VCF-style: chr2-220429961-G-C.
Other names: c.2407+3C>G (NM_001173431.2, NM_001173408.2).
Identifiers: ClinVar variation 1363938 (VCV001363938.6), dbSNP rs370802978, ClinGen allele CA2131250.
Genomic context (GRCh38, chr2:219,565,239, plus strand): 5'-ATGGCTTATGCGGCCCCACAATCAGCCTTGGCTGGAGGAGCCCAGGCTGGCATGCTTCCT[G>C]ACCTTGGACAGTGACGCCGAAGAAGGCCGAGACCCCTTCTGTCCTGCACTCAAACTCGCC-3'

ClinVar aggregate classification (germline): Uncertain significance (1 of 4 stars; one submission).

Allele frequency attached by ClinVar (database versions not stated): TOPMed 0.00002; gnomAD 0.00003 and 0.00004; ESP Exome Variant Server 0.00008.
gnomAD v4.1: 9 of 1,605,528 alleles (0.00056%); highest among the groups gnomAD compares: African/African-American, 0.0094%; no homozygotes.

Submission:

Labcorp Genetics (formerly Invitae), Labcorp
Classification: Uncertain significance. Last evaluated: 2022-05-16. Review status: criteria provided, single submitter. Criteria: Invitae Variant Classification Sherloc (09022015). Collection method: clinical testing. Allele origin: germline.
Comment: This sequence change falls in intron 6 of the OBSL1 gene. It does not directly change the encoded amino acid sequence of the OBSL1 protein. It affects a nucleotide within the consensus splice site. This variant is present in population databases (rs370802978, gnomAD 0.01%). This variant has not been reported in the literature in individuals affected with OBSL1-related conditions. Variants that disrupt the consensus splice site are a relatively common cause of aberrant splicing (PMID: 17576681, 9536098). Algorithms developed to predict the effect of sequence changes on RNA splicing suggest that this variant is not likely to affect RNA splicing. In summary, the available evidence is currently insufficient to determine the role of this variant in disease. Therefore, it has been classified as a Variant of Uncertain Significance.

Literature cited by the submitters: PubMed 17576681; PubMed 9536098.